The following is an entry in ClinVar:

NM_020822.3(KCNT1):c.626G>T (p.Arg209Leu)

Gene: KCNT1 (potassium sodium-activated channel subfamily T member 1; plus strand). Cytogenetic location: 9q34.3.
Variant type: single nucleotide variant.
Coding change: c.626G>T on transcript NM_020822.3 (MANE Select); coding-DNA position 626, G replaced by T.
Protein change: p.Arg209Leu; replaces arginine 209 with leucine.
Molecular consequence: missense variant.
Genome position (GRCh38, 1-based): chr9:135,757,181, G>T. VCF-style: chr9-135757181-G-T. GRCh37 (hg19) VCF-style: chr9-138649027-G-T.
Other names: c.482G>T, p.Arg161Leu (NM_001272003.2); short protein forms R161L, R209L.
Identifiers: ClinVar variation 2945079 (VCV002945079.3), dbSNP rs756952430, ClinGen allele CA375497262.

ClinVar aggregate classification (germline): Uncertain significance (1 of 4 stars; one submission).

Conditions:
Autosomal dominant nocturnal frontal lobe epilepsy 5. Also called: Epilepsy, nocturnal frontal lobe, 5; CILIARY DYSKINESIA, PRIMARY, 28, WITHOUT SITUS INVERSUS; CILIARY DYSKINESIA, PRIMARY, 28, WITH SITUS INVERSUS; KCNT1-Related Epilepsy. Identifiers: Orphanet 98784, MedGen C3554306, MONDO:0014002, OMIM 615005.
Developmental and epileptic encephalopathy, 14 (DEE14). Also called: Early infantile epileptic encephalopathy 14. Identifiers: Orphanet 293181, MedGen C3554195, MONDO:0013989, OMIM 614959.

gnomAD v4.1: 1 of 1,594,606 alleles (0.000063%); no homozygotes.

Submission:

Labcorp Genetics (formerly Invitae), Labcorp
Classification: Uncertain significance for Autosomal dominant nocturnal frontal lobe epilepsy 5; Developmental and epileptic encephalopathy, 14. Last evaluated: 2025-03-17. Review status: criteria provided, single submitter. Criteria: Invitae Variant Classification Sherloc (09022015). Collection method: clinical testing. Allele origin: germline.
Comment: This sequence change replaces arginine, which is basic and polar, with leucine, which is neutral and non-polar, at codon 209 of the KCNT1 protein (p.Arg209Leu). This variant is not present in population databases (gnomAD no frequency). This variant has not been reported in the literature in individuals affected with KCNT1-related conditions. ClinVar contains an entry for this variant (Variation ID: 2945079). Invitae Evidence Modeling of protein sequence and biophysical properties (such as structural, functional, and spatial information, amino acid conservation, physicochemical variation, residue mobility, and thermodynamic stability) indicates that this missense variant is not expected to disrupt KCNT1 protein function with a negative predictive value of 80%. In summary, the available evidence is currently insufficient to determine the role of this variant in disease. Therefore, it has been classified as a Variant of Uncertain Significance.